The following is an entry in ClinVar:

ClinVar aggregate classification (germline): Conflicting classifications of pathogenicity. Review status: criteria provided, conflicting classifications (1 of 4 stars). 13 submissions from 13 submitters: Uncertain significance (11); Likely benign (1). 1 of the submissions does not count toward it. Last evaluated 2024-12-26.

Conditions:
Cardiovascular phenotype. Identifiers: MedGen CN230736.
Alstrom syndrome (ALMS). Identifiers: Orphanet 64, MedGen C0268425, MONDO:0008763, OMIM 203800.
Retinal dystrophy. Also called: Inherited retinal dystrophy. Identifiers: Orphanet 71862, MedGen C0854723, MeSH D058499, MONDO:0019118, HP:0000556.

Allele frequency attached by ClinVar (database versions not stated): ESP Exome Variant Server 0.00008; gnomAD exomes 0.00013 and 0.00020; TOPMed 0.00013; gnomAD 0.00014 and 0.00015; ExAC 0.00016.

Submissions (13):

Labcorp Genetics (formerly Invitae), Labcorp
Classification: Uncertain significance for Alstrom syndrome. Last evaluated: 2024-12-26. Review status: criteria provided, single submitter. Criteria: Invitae Variant Classification Sherloc (09022015). Collection method: clinical testing. Allele origin: germline.
Comment: This sequence change replaces isoleucine, which is neutral and non-polar, with valine, which is neutral and non-polar, at codon 3050 of the ALMS1 protein (p.Ile3050Val). This variant is present in population databases (rs202228570, gnomAD 0.1%). This missense change has been observed in individual(s) with congenital hearing impairment (PMID: 35764379). ClinVar contains an entry for this variant (Variation ID: 581363). Experimental studies and prediction algorithms are not available or were not evaluated, and the functional significance of this variant is currently unknown. In summary, the available evidence is currently insufficient to determine the role of this variant in disease. Therefore, it has been classified as a Variant of Uncertain Significance.

Blueprint Genetics
Classification: Uncertain significance. Last evaluated: 2024-09-19. Review status: criteria provided, single submitter. Criteria: ACMG Guidelines, 2015. Collection method: clinical testing. Allele origin: germline.

GeneDx
Classification: Uncertain significance. Last evaluated: 2024-08-15. Review status: criteria provided, single submitter. Criteria: GeneDx Variant Classification Process June 2021. Collection method: clinical testing. Allele origin: germline. Affected: yes.
Comment: Identified in a patient with congenital hearing impairment who harbored a second ALMS1 variant in trans (PMID: 35764379); In silico analysis indicates that this missense variant does not alter protein structure/function; This variant is associated with the following publications: (PMID: 35764379)

CeGaT Center for Human Genetics Tuebingen
Classification: Uncertain significance. Last evaluated: 2024-07-01. Review status: criteria provided, single submitter. Criteria: CeGaT Center For Human Genetics Tuebingen Variant Classification Criteria Version 2. Collection method: clinical testing. Allele origin: germline. Affected: yes. Observed: 1 variant allele.
Comment: ALMS1: PM2

Ambry Genetics
Classification: Likely benign for Cardiovascular phenotype. Last evaluated: 2024-04-26. Review status: criteria provided, single submitter. Criteria: Ambry Variant Classification Scheme 2023. Collection method: clinical testing. Allele origin: germline.

Institute of Human Genetics, Univ. Regensburg, Univ. Regensburg
Classification: Uncertain significance for Retinal dystrophy. Last evaluated: 2022-01-01. Review status: criteria provided, single submitter. Criteria: ACMG Guidelines, 2015. Collection method: clinical testing. Allele origin: germline. Affected: yes.

New York Genome Center
Classification: Uncertain significance for Alstrom syndrome. Last evaluated: 2021-12-09. Review status: criteria provided, single submitter. Criteria: NYGC Assertion Criteria 2020. Collection method: clinical testing. Allele origin: germline. Observed: 1 variant allele.
Comment: The heterozygous c.9145A>G (p.Ile3050Val) missense variant identified in the ALMS1 gene has not been reported in affected individuals in the literature. The variant has 0.0001889 allele frequency in the gnomAD (v2.1.1 and v3.1.2) database (53 out of 280,590 heterozygous alleles, no homozygotes). This variant is reported as a Variant of uncertain significance associated with Alstrom syndrome in the ClinVar database (Variation ID: 581363). The variant affects a moderately conserved residue (Ile3050) of ALMS1 protein and is predicted neutral by multiple in silico prediction tools (CADD score = 24.6, REVEL score = 0.095). Based on the available evidence, the heterozygous c.9145A>G (p.Ile3050Val) missense variant identified in the ALMS1 gene is reported as aVariant of Uncertain Significance.

Genome-Nilou Lab
Classification: Uncertain significance for Alstrom syndrome. Last evaluated: 2021-07-14. Review status: criteria provided, single submitter. Criteria: ACMG Guidelines, 2015. Collection method: clinical testing. Allele origin: germline. Affected: no.

Laboratory for Molecular Medicine, Mass General Brigham Personalized Medicine
Classification: Uncertain significance. Last evaluated: 2019-10-04. Review status: criteria provided, single submitter. Criteria: LMM Criteria. Collection method: clinical testing. Allele origin: germline. Observed: 1 variant allele.
Comment: The p.Ile3048Val variant in ALMS1 has not been previously reported in individuals with Alstrom syndrome, but has been identified in 0.1% (11/10354) of Ashkenazi Jewish chromosomes by gnomAD. Computational prediction tools and conservation analyses do not provide strong support for or against an impact to the protein. In summary, the clinical significance of this variant is uncertain. ACMG/AMP Criteria applied: BS1_Supporting.

Genetic Services Laboratory, University of Chicago
Classification: Uncertain significance. Last evaluated: 2019-05-01. Review status: criteria provided, single submitter. Criteria: ACMG Guidelines, 2015. Collection method: clinical testing. Allele origin: germline. Affected: no.

Fulgent Genetics
Classification: Uncertain significance for Alstrom syndrome. Last evaluated: 2018-10-31. Review status: criteria provided, single submitter. Criteria: ACMG Guidelines, 2015. Collection method: clinical testing. Allele origin: unknown.

Breakthrough Genomics
Classification: Uncertain significance. Review status: criteria provided, single submitter. Criteria: ACMG Guidelines, 2015. Collection method: not provided. Allele origin: germline. Inheritance: Autosomal recessive inheritance. Affected: yes.

Natera, Inc.
Classification: Uncertain significance for Alstrom syndrome. Last evaluated: 2020-01-08. Review status: no assertion criteria provided. Collection method: clinical testing. Allele origin: germline. Not counted in ClinVar's aggregate classification.

Literature cited by the submitters: PubMed 35764379 (cited by Labcorp Genetics (formerly Invitae), Labcorp and Institute of Human Genetics, Univ. Regensburg, Univ. Regensburg).

NM_001378454.1(ALMS1):c.9145A>G (p.Ile3049Val)

Gene: ALMS1 (ALMS1 centrosome and basal body associated protein; plus strand). Cytogenetic location: 2p13.1.
Variant type: single nucleotide variant.
Coding change: c.9145A>G on transcript NM_001378454.1 (MANE Select); coding-DNA position 9145, A replaced by G.
Protein change: p.Ile3049Val; replaces isoleucine 3049 with valine.
Molecular consequence: missense variant.
Genome position (GRCh38, 1-based): chr2:73,491,104, A>G. VCF-style: chr2-73491104-A-G. GRCh37 (hg19) VCF-style: chr2-73718231-A-G.
Other names: c.9148A>G, p.Ile3050Val (NM_015120.4); short protein forms I3050V, I3049V.
Identifiers: ClinVar variation 581363 (VCV000581363.45), dbSNP rs202228570, ClinGen allele CA1714611.